The following is an entry in ClinVar:

NM_002076.4(GNS):c.140C>T (p.Pro47Leu)

Gene: GNS (glucosamine (N-acetyl)-6-sulfatase; minus strand). Cytogenetic location: 12q14.3.
Variant type: single nucleotide variant.
Coding change: c.140C>T on transcript NM_002076.4 (MANE Select); coding-DNA position 140, C replaced by T.
Protein change: p.Pro47Leu; replaces proline 47 with leucine.
Molecular consequence: missense variant.
Genome position (GRCh38, 1-based): chr12:64,759,137, G>A on the plus strand (C>T on the coding strand, the complement: GNS is on the minus strand). VCF-style: chr12-64759137-G-A. GRCh37 (hg19) VCF-style: chr12-65152917-G-A.
Other names: short protein forms P47L.
Identifiers: ClinVar variation 2162885 (VCV002162885.1), dbSNP rs964775472, ClinGen allele CA238302419.
Genomic context (GRCh38, chr12:64,759,137, plus strand): 5'-AGAGTTACCATGCCGCCGAGCACTTCGTCCTGGTCGTCCGTGAGGAGCAGCACCACGTTG[G>A]GCCTCCGGGTTCCCGCAGCCACCCCGAAGACCCCCAGGCAGCCGCCCAGCACCAGCAGTA-3'
Protein context (NP_002067.1, residues 37-57): VFGVAAGTRR[Pro47Leu]NVVLLLTDDQ

ClinVar aggregate classification (germline): Uncertain significance (1 of 4 stars; one submission).

Conditions:
Mucopolysaccharidosis, MPS-III-D (MPS3D). Also called: N-ACETYLGLUCOSAMINE-6-SULFATASE DEFICIENCY; SANFILIPPO SYNDROME D; MPS III D; Mucopoly-saccharidosis type 3D; N-acetylglucosamine-6-sulfate sulfatase deficiency; MPS 3D. Identifiers: Orphanet 581, Orphanet 79272, MedGen C0086650, MONDO:0009658, OMIM 252940.

Allele frequency attached by ClinVar (database versions not stated): gnomAD exomes 0.00001; TOPMed below 0.00001.
gnomAD v4.1: 6 of 1,560,598 alleles (0.00038%); highest among the groups gnomAD compares: Non-Finnish European, 0.00052%; no homozygotes.

Submission:

Labcorp Genetics (formerly Invitae), Labcorp
Classification: Uncertain significance for Mucopolysaccharidosis, MPS-III-D. Last evaluated: 2022-08-01. Review status: criteria provided, single submitter. Criteria: Invitae Variant Classification Sherloc (09022015). Collection method: clinical testing. Allele origin: germline.
Comment: This sequence change replaces proline, which is neutral and non-polar, with leucine, which is neutral and non-polar, at codon 47 of the GNS protein (p.Pro47Leu). This variant is not present in population databases (gnomAD no frequency). This variant has not been reported in the literature in individuals affected with GNS-related conditions. Algorithms developed to predict the effect of missense changes on protein structure and function are either unavailable or do not agree on the potential impact of this missense change (SIFT: "Deleterious"; PolyPhen-2: "Probably Damaging"; Align-GVGD: "Class C15"). In summary, the available evidence is currently insufficient to determine the role of this variant in disease. Therefore, it has been classified as a Variant of Uncertain Significance.